The following is an entry in ClinVar:

ClinVar aggregate classification (germline): Uncertain significance. Review status: criteria provided, multiple submitters, no conflicts (2 of 4 stars). 2 submissions from 2 submitters: Uncertain significance (2). Last evaluated 2023-06-26.

gnomAD v4.1: 1 of 1,613,918 alleles (0.000062%); highest among the groups gnomAD compares: African/African-American, 0.0013%; no homozygotes.

Submissions (2):

Blueprint Genetics
Classification: Uncertain significance. Last evaluated: 2023-06-26. Review status: criteria provided, single submitter. Criteria: ACMG Guidelines, 2015. Collection method: clinical testing. Allele origin: germline.

Labcorp Genetics (formerly Invitae), Labcorp
Classification: Uncertain significance. Last evaluated: 2022-08-23. Review status: criteria provided, single submitter. Criteria: Invitae Variant Classification Sherloc (09022015). Collection method: clinical testing. Allele origin: germline.
Comment: In summary, the available evidence is currently insufficient to determine the role of this variant in disease. Therefore, it has been classified as a Variant of Uncertain Significance. Algorithms developed to predict the effect of missense changes on protein structure and function (SIFT, PolyPhen-2, Align-GVGD) all suggest that this variant is likely to be disruptive. This variant has not been reported in the literature in individuals affected with ARSG-related conditions. This variant is not present in population databases (gnomAD no frequency). This sequence change replaces arginine, which is basic and polar, with leucine, which is neutral and non-polar, at codon 342 of the ARSG protein (p.Arg342Leu).

NM_001267727.2(ARSG):c.1025G>T (p.Arg342Leu)

Gene: ARSG (arylsulfatase G; plus strand). Cytogenetic location: 17q24.2.
Variant type: single nucleotide variant.
Coding change: c.1025G>T on transcript NM_001267727.2 (MANE Select); coding-DNA position 1025, G replaced by T.
Protein change: p.Arg342Leu; replaces arginine 342 with leucine.
Molecular consequence: missense variant.
Genome position (GRCh38, 1-based): chr17:68,385,106, G>T. VCF-style: chr17-68385106-G-T. GRCh37 (hg19) VCF-style: chr17-66381247-G-T.
Other names: c.1025G>T, p.Arg342Leu (NM_001352899.2, NM_001352900.2, NM_001352901.2 and 3 more transcripts); c.1022G>T, p.Arg341Leu (NM_001352903.2, NM_001352904.2, NM_001352905.2 and 2 more transcripts); c.977G>T, p.Arg326Leu (NM_001352909.2); short protein forms R326L, R341L, R342L.
Identifiers: ClinVar variation 2081391 (VCV002081391.5), dbSNP rs201539354, ClinGen allele CA400748622.